The following is an entry in ClinVar:

NM_032608.7(MYO18B):c.6823T>C (p.Trp2275Arg)

Gene: MYO18B (myosin XVIIIB; plus strand). Cytogenetic location: 22q12.1.
Variant type: single nucleotide variant.
Coding change: c.6823T>C on transcript NM_032608.7 (MANE Select); coding-DNA position 6823, T replaced by C.
Protein change: p.Trp2275Arg; replaces tryptophan 2275 with arginine.
Molecular consequence: missense variant.
Genome position (GRCh38, 1-based): chr22:26,026,797, T>C. VCF-style: chr22-26026797-T-C. GRCh37 (hg19) VCF-style: chr22-26422763-T-C.
Other names: c.6826T>C, p.Trp2276Arg (NM_001318245.2); c.6823T>C (NM_032608.5); short protein forms W2275R, W2276R.
Identifiers: ClinVar variation 1499600 (VCV001499600.5), dbSNP rs1352757387, ClinGen allele CA411011158.
Genomic context (GRCh38, chr22:26,026,797, plus strand): 5'-GAAGGGCTCCGGAGGAAGAGAGCCCAGAGAGGCCAGGGGTCCACGCTGGGCCTAGAGGAC[T>C]GGCCCACTCTCCCCATTTACCAGACGACTGGGGCCTCCACACTAAGGAGGGGCAGGGCTG-3'
Protein context (NP_115997.5, residues 2265-2285): GQGSTLGLED[Trp2275Arg]PTLPIYQTTG

ClinVar aggregate classification (germline): Uncertain significance. Review status: criteria provided, multiple submitters, no conflicts (2 of 4 stars). 2 submissions from 2 submitters: Uncertain significance (2). Last evaluated 2025-02-08.

Conditions:
Inborn genetic diseases. Identifiers: MedGen C0950123, MeSH D030342.

Allele frequency attached by ClinVar (database versions not stated): TOPMed below 0.00001; gnomAD 0.00001.
gnomAD v4.1: 2 of 1,599,206 alleles (0.00013%); highest among the groups gnomAD compares: Non-Finnish European, 0.00017%; no homozygotes.

Submissions (2):

Ambry Genetics
Classification: Uncertain significance for Inborn genetic diseases. Last evaluated: 2025-02-08. Review status: criteria provided, single submitter. Criteria: Ambry Variant Classification Scheme 2023. Collection method: clinical testing. Allele origin: germline.

Labcorp Genetics (formerly Invitae), Labcorp
Classification: Uncertain significance. Last evaluated: 2021-08-05. Review status: criteria provided, single submitter. Criteria: Invitae Variant Classification Sherloc (09022015). Collection method: clinical testing. Allele origin: germline.
Comment: This variant is not present in population databases (ExAC no frequency). In summary, the available evidence is currently insufficient to determine the role of this variant in disease. Therefore, it has been classified as a Variant of Uncertain Significance. Algorithms developed to predict the effect of missense changes on protein structure and function are either unavailable or do not agree on the potential impact of this missense change (SIFT: "Not Available"; PolyPhen-2: "Possibly Damaging"; Align-GVGD: "Not Available"). This variant has not been reported in the literature in individuals affected with MYO18B-related conditions. This sequence change replaces tryptophan with arginine at codon 2275 of the MYO18B protein (p.Trp2275Arg). The tryptophan residue is weakly conserved and there is a moderate physicochemical difference between tryptophan and arginine.